The following is an entry in ClinVar:

NM_177438.3(DICER1):c.996C>T (p.Tyr332=)

Gene: DICER1 (dicer 1, ribonuclease III; minus strand). Cytogenetic location: 14q32.13.
Variant type: single nucleotide variant.
Coding change: c.996C>T on transcript NM_177438.3 (MANE Select); coding-DNA position 996, C replaced by T.
Protein change: p.Tyr332=; no amino-acid change (tyrosine 332 retained).
Molecular consequence: synonymous variant.
Genome position (GRCh38, 1-based): chr14:95,124,576, G>A on the plus strand (C>T on the coding strand, the complement: DICER1 is on the minus strand). VCF-style: chr14-95124576-G-A. GRCh37 (hg19) VCF-style: chr14-95590913-G-A.
Other names: c.996C>T, p.Tyr332= (NM_001195573.1, NM_001271282.3, NM_001291628.2 and 1 more transcripts).
Identifiers: ClinVar variation 417139 (VCV000417139.22), dbSNP rs757094384, ClinGen allele CA7331537.
Genomic context (GRCh38, chr14:95,124,576, plus strand): 5'-TAGGAAAGTGTCTGTAAACAATAAAAATTTCCTGTGCAGCTCCTCTTGCTCATGTTTGAT[G>A]TATTTCTGTAGTTCTCTTACCATCATTCCAGCTACTTTATCTGCACACCAGGGTCCCAGA-3'
Protein context (NP_803187.1, residues 322-342): AGMMVRELQK[Tyr332=]IKHEQEELHR

ClinVar aggregate classification (germline): Benign/Likely benign. Review status: criteria provided, multiple submitters, no conflicts (2 of 4 stars). 7 submissions from 7 submitters: Benign (4); Likely benign (2). 1 of the submissions does not count toward it. Last evaluated 2026-04-15.

Conditions:
DICER1-related disorder. Also called: DICER1-related condition.
Hereditary cancer-predisposing syndrome. Also called: Hereditary Cancer Syndrome; Neoplastic Syndromes, Hereditary; Hereditary neoplastic syndrome; Tumor predisposition. Identifiers: Orphanet 140162, MedGen C0027672, MeSH D009386, MONDO:0015356.
DICER1-related tumor predisposition. Also called: DICER1-related pleuropulmonary blastoma cancer predisposition syndrome; DICER1 syndrome. Identifiers: Orphanet 284343, MedGen C3839822, MONDO:0100216.

Allele frequency attached by ClinVar (database versions not stated): TOPMed 0.00008; gnomAD exomes 0.00027 and 0.00005; ExAC 0.00021; gnomAD 0.00002.
gnomAD v4.1: 82 of 1,613,666 alleles (0.0051%); highest among the groups gnomAD compares: Admixed American, 0.13%; no homozygotes.

Submissions (7):

Myriad Genetics, Inc.
Classification: Benign for DICER1-related tumor predisposition. Last evaluated: 2026-04-15. Review status: criteria provided, single submitter. Criteria: Myriad Autosomal Dominant, Autosomal Recessive and X-Linked Classification Criteria (2023). Collection method: clinical testing. Allele origin: unknown.
Comment: This variant is considered benign. This variant is a silent/synonymous amino acid change and it is not expected to impact splicing.

Labcorp Genetics (formerly Invitae), Labcorp
Classification: Benign for DICER1-related tumor predisposition. Last evaluated: 2026-01-31. Review status: criteria provided, single submitter. Criteria: Invitae Variant Classification Sherloc (09022015). Collection method: clinical testing. Allele origin: germline.

ARUP Laboratories, Molecular Genetics and Genomics, ARUP Laboratories
Classification: Benign. Last evaluated: 2025-05-19. Review status: criteria provided, single submitter. Criteria: ARUP Molecular Germline Variant Investigation Process 2024. Collection method: clinical testing. Allele origin: germline.

Quest Diagnostics Nichols Institute San Juan Capistrano
Classification: Benign. Last evaluated: 2022-12-24. Review status: criteria provided, single submitter. Criteria: Quest Diagnostics criteria. Collection method: clinical testing. Allele origin: unknown.

Sema4
Classification: Likely benign for Hereditary cancer-predisposing syndrome. Last evaluated: 2021-11-02. Review status: criteria provided, single submitter. Criteria: Sema4 Curation Guidelines. Collection method: curation. Allele origin: germline.

Ambry Genetics
Classification: Likely benign for Hereditary cancer-predisposing syndrome. Last evaluated: 2017-05-01. Review status: criteria provided, single submitter. Criteria: Ambry Variant Classification Scheme 2023. Collection method: clinical testing. Allele origin: germline.

PreventionGenetics, part of Exact Sciences
Classification: Likely benign for DICER1-related condition. Last evaluated: 2022-09-23. Review status: no assertion criteria provided. Collection method: clinical testing. Allele origin: germline. Not counted in ClinVar's aggregate classification.
Comment: This variant is classified as likely benign based on ACMG/AMP sequence variant interpretation guidelines (Richards et al. 2015 PMID: 25741868, with internal and published modifications).